The following is an entry in ClinVar:

ClinVar aggregate classification (germline): Benign/Likely benign. Review status: criteria provided, multiple submitters, no conflicts (2 of 4 stars). 2 submissions from 2 submitters: Benign (1); Likely benign (1). Last evaluated 2024-03-28.

Conditions:
Familial adenomatous polyposis 1 (FAP1). Also called: FAMILIAL ADENOMATOUS POLYPOSIS 1, ATTENUATED; POLYPOSIS, ADENOMATOUS INTESTINAL. Identifiers: MedGen C2713442, MONDO:0021056, OMIM 175100. Disease mechanism: loss of function.
Hereditary cancer-predisposing syndrome. Also called: Neoplastic Syndromes, Hereditary; Tumor predisposition; Hereditary Cancer Syndrome; Hereditary neoplastic syndrome. Identifiers: Orphanet 140162, MedGen C0027672, MeSH D009386, MONDO:0015356.

Submissions (2):

Myriad Genetics, Inc.
Classification: Benign for Familial adenomatous polyposis 1. Last evaluated: 2024-03-28. Review status: criteria provided, single submitter. Criteria: Myriad Autosomal Dominant, Autosomal Recessive and X-Linked Classification Criteria (2023). Collection method: clinical testing. Allele origin: unknown.
Comment: This variant is considered benign. This variant is a silent/synonymous amino acid change and it is not expected to impact splicing.

Color Diagnostics, LLC DBA Color Health
Classification: Likely benign for Hereditary cancer-predisposing syndrome. Last evaluated: 2023-03-18. Review status: criteria provided, single submitter. Criteria: ACMG Guidelines, 2015. Collection method: clinical testing. Allele origin: germline.

NM_000038.6(APC):c.5088T>C (p.Ser1696=)

Gene: APC (APC regulator of Wnt signaling pathway; plus strand). Cytogenetic location: 5q22.2.
Variant type: single nucleotide variant.
Coding change: c.5088T>C on transcript NM_000038.6 (MANE Select); coding-DNA position 5088, T replaced by C.
Protein change: p.Ser1696=; no amino-acid change (serine 1696 retained).
Molecular consequence: synonymous variant. On other transcripts: non-coding transcript variant (2).
Genome position (GRCh38, 1-based): chr5:112,840,682, T>C. VCF-style: chr5-112840682-T-C. GRCh37 (hg19) VCF-style: chr5-112176379-T-C.
Other names: c.5088T>C, p.Ser1696= (NM_001127510.3, NM_001354895.2, NM_001407450.1); c.5034T>C, p.Ser1678= (NM_001127511.3); c.5142T>C, p.Ser1714= (NM_001354896.2, NM_001407447.1, NM_001407448.1 and 1 more transcripts); c.5118T>C, p.Ser1706= (NM_001354897.2); c.5013T>C, p.Ser1671= (NM_001354898.2); c.5004T>C, p.Ser1668= (NM_001354899.2); c.4965T>C, p.Ser1655= (NM_001354900.2); c.4911T>C, p.Ser1637= (NM_001354901.2, NM_001407453.1); and 11 more.
Identifiers: ClinVar variation 2775145 (VCV002775145.3), dbSNP rs2149931692, ClinGen allele CA446209568.